The following is an entry in ClinVar:

ClinVar aggregate classification (germline): Pathogenic/Likely pathogenic. Review status: criteria provided, multiple submitters, no conflicts (2 of 4 stars). 6 submissions from 6 submitters: Pathogenic (4); Likely pathogenic (1). 1 of the submissions does not count toward it. Last evaluated 2025-12-20.

Conditions:
MSH6-related disorder. Also called: MSH6-Related disorders; MSH6-related condition.
Hereditary cancer-predisposing syndrome. Also called: Tumor predisposition; Hereditary Cancer Syndrome; Hereditary neoplastic syndrome; Neoplastic Syndromes, Hereditary. Identifiers: Orphanet 140162, MedGen C0027672, MeSH D009386, MONDO:0015356.
Hereditary nonpolyposis colorectal neoplasms. Identifiers: MedGen C0009405, MeSH D003123.
Breast carcinoma. Also called: Carcinoma of breast. Identifiers: MedGen C0678222, MONDO:0004989, HP:0003002.
Lynch syndrome 5 (LYNCH5). Also called: Hereditary non-polyposis colorectal cancer, type 5; Colorectal cancer, hereditary nonpolyposis, type 5. Identifiers: Orphanet 144, MedGen C1833477, MONDO:0013710, OMIM 614350. Disease mechanism: loss of function.

Submissions (6):

Labcorp Genetics (formerly Invitae), Labcorp
Classification: Pathogenic for Hereditary nonpolyposis colorectal neoplasms. Last evaluated: 2025-12-20. Review status: criteria provided, single submitter. Criteria: Invitae Variant Classification Sherloc (09022015). Collection method: clinical testing. Allele origin: germline.
Comment: This sequence change creates a premature translational stop signal (p.Tyr524*) in the MSH6 gene. It is expected to result in an absent or disrupted protein product. Loss-of-function variants in MSH6 are known to be pathogenic (PMID: 18269114, 24362816). This variant is not present in population databases (gnomAD no frequency). This premature translational stop signal has been observed in individual(s) with ovarian cancer (internal data). Invitae Evidence Modeling of clinical and family history, age, sex, and reported ancestry of multiple individuals with this MSH6 variant has been performed. This variant is expected to be pathogenic with a positive predictive value of at least 99%. This is a validated machine learning model that incorporates the clinical features of 1,627,235 individuals referred to our laboratory for MSH6 testing. ClinVar contains an entry for this variant (Variation ID: 428307). For these reasons, this variant has been classified as Pathogenic.

Ambry Genetics
Classification: Pathogenic for Hereditary cancer-predisposing syndrome. Last evaluated: 2025-04-28. Review status: criteria provided, single submitter. Criteria: Ambry Variant Classification Scheme 2023. Collection method: clinical testing. Allele origin: germline.
Comment: The c.1572_1573delCA pathogenic mutation, located in coding exon 4 of the MSH6 gene, results from a deletion of two nucleotides at nucleotide positions 1572 to 1573, causing a translational frameshift with a predicted alternate stop codon (p.Y524*). This variant is considered to be rare based on population cohorts in the Genome Aggregation Database (gnomAD). This alteration is expected to result in loss of function by premature protein truncation or nonsense-mediated mRNA decay. As such, this alteration is interpreted as a disease-causing mutation.

Blueprint Genetics
Classification: Pathogenic for MSH6-related disorders. Last evaluated: 2024-04-24. Review status: criteria provided, single submitter. Criteria: ACMG Guidelines, 2015. Collection method: clinical testing. Allele origin: germline. Affected: yes. Observed: 5 variant alleles.

Myriad Genetics, Inc.
Classification: Pathogenic for Lynch syndrome 5. Last evaluated: 2023-08-14. Review status: criteria provided, single submitter. Criteria: Myriad Autosomal Dominant, Autosomal Recessive and X-Linked Classification Criteria (2023). Collection method: clinical testing. Allele origin: unknown.
Comment: This variant is considered pathogenic. This variant creates a termination codon and is predicted to result in premature protein truncation.

Revvity Omics, Revvity
Classification: Likely pathogenic. Last evaluated: 2022-01-28. Review status: criteria provided, single submitter. Criteria: ACMG Guidelines, 2015. Collection method: clinical testing. Allele origin: germline.

Medical Genetics Laboratory, Umraniye Training and Research Hospital, University of Health Sciences
Classification: Pathogenic for Breast carcinoma. Last evaluated: 2021-08-23. Review status: no assertion criteria provided. Collection method: clinical testing. Allele origin: germline. Affected: yes. Observed: 1 variant allele, 1 heterozygote. Not counted in ClinVar's aggregate classification.
Comment: Invasive Ductal Carcinoma Estrogen Receptor: Negative Progesterone Receptor: Positive HER2 Receptor: Negative

Literature cited by the submitters: PubMed 18269114 (cited by Labcorp Genetics (formerly Invitae), Labcorp); PubMed 24362816 (cited by Labcorp Genetics (formerly Invitae), Labcorp).

NM_000179.3(MSH6):c.1572_1573del (p.Tyr524_Ser525delinsTer)

Gene: MSH6 (mutS homolog 6; plus strand). Cytogenetic location: 2p16.3.
Variant type: Deletion.
Coding change: c.1572_1573del on transcript NM_000179.3 (MANE Select); coding-DNA positions 1572 to 1573, 2 bases deleted (CA; older notation c.1572_1573delCA).
Protein change: p.Tyr524_Ser525delinsTer.
Molecular consequence: nonsense.
Genome position (GRCh38, 1-based): chr2:47,799,555-47,799,556, CA deleted; deleting any 2 consecutive bases within chr2:47,799,554-47,799,556 gives the same sequence; the c. name uses the placement nearest the transcript's 3' end. VCF-style (leftmost placement, unchanged base first): chr2-47799553-TAC-T. GRCh37 (hg19) VCF-style: chr2-48026692-TAC-T.
Other names: c.1182_1183del, p.Tyr394_Ser395delinsTer (NM_001281492.2); c.666_667del, p.Tyr222_Ser223delinsTer (NM_001281493.2, NM_001281494.2); c.1572_1573delCA (NM_000179.2).
Identifiers: ClinVar variation 428307 (VCV000428307.20), dbSNP rs1114167702, ClinGen allele CA645369250.
Genomic context (GRCh38, chr2:47,799,553, plus strand): 5'-AAGTATGATAGAGTGGTGAGGAGGGAGATCTGTAGGATCATTACCAAGGGTACACAGACT[TAC>T]AGTGTGCTGGAAGGTGATCCCTCTGAGAACTACAGTAAGTATCTTCTTAGCCTCAAAGAA-3'